The following is an entry in ClinVar:

ClinVar aggregate classification (germline): Uncertain significance (1 of 4 stars; one submission).

Allele frequency attached by ClinVar (database versions not stated): TOPMed below 0.00001; ExAC 0.00001.
gnomAD v4.1: 3 of 1,612,462 alleles (0.00019%); highest among the groups gnomAD compares: Admixed American, 0.005%; no homozygotes.

Submission:

Labcorp Genetics (formerly Invitae), Labcorp
Classification: Uncertain significance. Last evaluated: 2022-08-31. Review status: criteria provided, single submitter. Criteria: Invitae Variant Classification Sherloc (09022015). Collection method: clinical testing. Allele origin: germline.
Comment: In summary, the available evidence is currently insufficient to determine the role of this variant in disease. Therefore, it has been classified as a Variant of Uncertain Significance. Algorithms developed to predict the effect of missense changes on protein structure and function are either unavailable or do not agree on the potential impact of this missense change (SIFT: "Deleterious"; PolyPhen-2: "Benign"; Align-GVGD: "Class C0"). This variant has not been reported in the literature in individuals affected with ERCC3-related conditions. This variant is present in population databases (rs780088602, gnomAD 0.006%). This sequence change replaces aspartic acid, which is acidic and polar, with tyrosine, which is neutral and polar, at codon 700 of the ERCC3 protein (p.Asp700Tyr).

NM_000122.2(ERCC3):c.2098G>T (p.Asp700Tyr)

Gene: ERCC3 (ERCC excision repair 3, TFIIH core complex helicase subunit; minus strand). Cytogenetic location: 2q14.3.
Variant type: single nucleotide variant.
Coding change: c.2098G>T on transcript NM_000122.2 (MANE Select); coding-DNA position 2098, G replaced by T.
Protein change: p.Asp700Tyr; replaces aspartic acid 700 with tyrosine.
Molecular consequence: missense variant.
Genome position (GRCh38, 1-based): chr2:127,259,415, C>A on the plus strand (G>T on the coding strand, the complement: ERCC3 is on the minus strand). VCF-style: chr2-127259415-C-A. GRCh37 (hg19) VCF-style: chr2-128016991-C-A.
Other names: c.1906G>T, p.Asp636Tyr (NM_001303416.2, NM_001303418.2); short protein forms D700Y, D636Y.
Identifiers: ClinVar variation 2182394 (VCV002182394.2), dbSNP rs780088602, ClinGen allele CA1858083.